The following is an entry in ClinVar:

NM_138713.4(NFAT5):c.3701G>A (p.Gly1234Asp)

Gene: NFAT5 (nuclear factor of activated T cells 5; plus strand). Cytogenetic location: 16q22.1.
Variant type: single nucleotide variant.
Coding change: c.3701G>A on transcript NM_138713.4 (MANE Select); coding-DNA position 3701, G replaced by A.
Protein change: p.Gly1234Asp; replaces glycine 1234 with aspartic acid.
Molecular consequence: missense variant.
Genome position (GRCh38, 1-based): chr16:69,693,526, G>A. VCF-style: chr16-69693526-G-A. GRCh37 (hg19) VCF-style: chr16-69727429-G-A.
Other names: c.3698G>A, p.Gly1233Asp (NM_001113178.3); c.3026G>A, p.Gly1009Asp (NM_001367709.1); c.3647G>A, p.Gly1216Asp (NM_006599.4); c.3419G>A, p.Gly1140Asp (NM_138714.4, NM_173214.3, NM_173215.3); short protein forms G1009D, G1216D, G1233D, G1234D, G1140D.
Identifiers: ClinVar variation 1350028 (VCV001350028.6), dbSNP rs2037640263, ClinGen allele CA396513596.

ClinVar aggregate classification (germline): Uncertain significance (1 of 4 stars; one submission).

Conditions:
Immunodeficiency. Identifiers: MedGen C0021051, MONDO:0021094, HP:0002721.

Allele frequency attached by ClinVar (database versions not stated): gnomAD 0.00001.
gnomAD v4.1: 1 of 1,613,978 alleles (0.000062%); highest among the groups gnomAD compares: Admixed American, 0.0017%; no homozygotes.

Submission:

Labcorp Genetics (formerly Invitae), Labcorp
Classification: Uncertain significance for Immunodeficiency. Last evaluated: 2021-12-01. Review status: criteria provided, single submitter. Criteria: Invitae Variant Classification Sherloc (09022015). Collection method: clinical testing. Allele origin: germline.
Comment: This variant has not been reported in the literature in individuals affected with NFAT5-related conditions. In summary, the available evidence is currently insufficient to determine the role of this variant in disease. Therefore, it has been classified as a Variant of Uncertain Significance. Algorithms developed to predict the effect of missense changes on protein structure and function are either unavailable or do not agree on the potential impact of this missense change (SIFT: "Deleterious"; PolyPhen-2: "Possibly Damaging"; Align-GVGD: "Class C0"). This variant is not present in population databases (gnomAD no frequency). This sequence change replaces glycine, which is neutral and non-polar, with aspartic acid, which is acidic and polar, at codon 1140 of the NFAT5 protein (p.Gly1140Asp).